The following is an entry in ClinVar:

ClinVar aggregate classification (germline): Likely pathogenic (1 of 4 stars; one submission).

Conditions:
Developmental and epileptic encephalopathy, 11 (DEE11). Also called: Early infantile epileptic encephalopathy 11. Identifiers: Orphanet 1934, MedGen C3150987, MONDO:0013388, OMIM 613721.
Seizures, benign familial infantile, 3 (BFIS3). Also called: CONVULSIONS, BENIGN FAMILIAL INFANTILE, 3; Familial neonatal seizures. Identifiers: Orphanet 140927, Orphanet 306, MedGen C1843140, MONDO:0011904, OMIM 607745.

Submission:

Labcorp Genetics (formerly Invitae), Labcorp
Classification: Likely pathogenic for Seizures, benign familial infantile, 3; Developmental and epileptic encephalopathy, 11. Last evaluated: 2024-12-16. Review status: criteria provided, single submitter. Criteria: Invitae Variant Classification Sherloc (09022015). Collection method: clinical testing. Allele origin: germline.
Comment: This sequence change replaces glutamine, which is neutral and polar, with proline, which is neutral and non-polar, at codon 1478 of the SCN2A protein (p.Gln1478Pro). This variant is not present in population databases (gnomAD no frequency). This variant has not been reported in the literature in individuals affected with SCN2A-related conditions. Invitae Evidence Modeling of protein sequence and biophysical properties (such as structural, functional, and spatial information, amino acid conservation, physicochemical variation, residue mobility, and thermodynamic stability) indicates that this missense variant is expected to disrupt SCN2A protein function with a positive predictive value of 95%. This variant disrupts the p.Gln1478 amino acid residue in SCN2A. Other variant(s) that disrupt this residue have been determined to be pathogenic (internal data). This suggests that this residue is clinically significant, and that variants that disrupt this residue are likely to be disease-causing. In summary, the currently available evidence indicates that the variant is pathogenic, but additional data are needed to prove that conclusively. Therefore, this variant has been classified as Likely Pathogenic.

NM_001040142.2(SCN2A):c.4433A>C (p.Gln1478Pro)

Gene: SCN2A (sodium voltage-gated channel alpha subunit 2; plus strand). Cytogenetic location: 2q24.3.
Variant type: single nucleotide variant.
Coding change: c.4433A>C on transcript NM_001040142.2 (MANE Select); coding-DNA position 4433, A replaced by C.
Protein change: p.Gln1478Pro; replaces glutamine 1478 with proline.
Molecular consequence: missense variant.
Genome position (GRCh38, 1-based): chr2:165,380,716, A>C. VCF-style: chr2-165380716-A-C. GRCh37 (hg19) VCF-style: chr2-166237226-A-C.
Other names: c.4433A>C, p.Gln1478Pro (NM_001040143.2, NM_001371246.1, NM_001371247.1 and 1 more transcripts); short protein forms Q1478P.
Identifiers: ClinVar variation 3759076 (VCV003759076.2).